The following is an entry in ClinVar:

NM_001931.5(DLAT):c.570A>G (p.Gln190=)

Gene: DLAT (dihydrolipoamide S-acetyltransferase; plus strand). Cytogenetic location: 11q23.1.
Variant type: single nucleotide variant.
Coding change: c.570A>G on transcript NM_001931.5 (MANE Select); coding-DNA position 570, A replaced by G.
Protein change: p.Gln190=; no amino-acid change (glutamine 190 retained).
Molecular consequence: synonymous variant. On other transcripts: non-coding transcript variant (1), intron variant (2).
Genome position (GRCh38, 1-based): chr11:112,028,855, A>G. VCF-style: chr11-112028855-A-G. GRCh37 (hg19) VCF-style: chr11-111899579-A-G.
Other names: p.Q190Q:CAA>CAG; c.570A>G, p.Gln190= (NM_001372031.1, NM_001372032.1, NM_001372033.1 and 3 more transcripts); c.537A>G, p.Gln179= (NM_001372034.1); c.444A>G, p.Gln148= (NM_001372036.1); c.402A>G, p.Gln134= (NM_001372037.1); c.108A>G, p.Gln36= (NM_001372042.1); c.381+2556A>G (NM_001372038.1); c.364+2573A>G (NM_001372040.1).
Identifiers: ClinVar variation 137089 (VCV000137089.43), dbSNP rs143107853, ClinGen allele CA290597.

ClinVar aggregate classification (germline): Benign/Likely benign. Review status: criteria provided, multiple submitters, no conflicts (2 of 4 stars). 8 submissions from 8 submitters: Benign (2); Likely benign (5). 1 of the submissions does not count toward it. Last evaluated 2026-06-01.

Conditions:
Pyruvate dehydrogenase E2 deficiency (PDHDD). Also called: Dihydrolipoamide Acetyltransferase (E2) Deficiency; LACTIC ACIDEMIA DUE TO DEFECT OF E2 LIPOYL TRANSACETYLASE OF THE PYRUVATE DEHYDROGENASE COMPLEX. Identifiers: Orphanet 765, Orphanet 79244, MedGen C1855565, MONDO:0009502, OMIM 245348.

Allele frequency attached by ClinVar (database versions not stated): 1000 Genomes Project 30x 0.00047; 1000 Genomes Project 0.00060; TOPMed 0.00152; gnomAD 0.00153 and 0.00160; ESP Exome Variant Server 0.00162; gnomAD exomes 0.00200 and 0.00251; ExAC 0.00242.
gnomAD v4.1: 3,855 of 1,614,178 alleles (0.24%); highest among the groups gnomAD compares: Non-Finnish European, 0.28%; 6 homozygotes.

Submissions (15):

CeGaT Center for Human Genetics Tuebingen
Classification: Likely benign. Last evaluated: 2026-06-01. Review status: criteria provided, single submitter. Criteria: CeGaT Center For Human Genetics Tuebingen Variant Classification Criteria Version 2. Collection method: clinical testing. Allele origin: germline. Affected: yes. Observed: 7 variant alleles.
Comment: DLAT: BP4, BP7

Labcorp Genetics (formerly Invitae), Labcorp
Classification: Benign for Pyruvate dehydrogenase E2 deficiency. Last evaluated: 2026-01-22. Review status: criteria provided, single submitter. Criteria: Invitae Variant Classification Sherloc (09022015). Collection method: clinical testing. Allele origin: germline.

Blueprint Genetics
Classification: Likely benign. Last evaluated: 2024-11-23. Review status: criteria provided, single submitter. Criteria: ACMG Guidelines, 2015. Collection method: clinical testing. Allele origin: germline.

Clinical Genetics DNA and cytogenetics Diagnostics Lab, Erasmus MC, Erasmus Medical Center
Classification: Likely benign for Pyruvate dehydrogenase E2 deficiency. Last evaluated: 2017-06-28. Review status: criteria provided, single submitter. Criteria: ACGS Guidelines, 2013. Collection method: clinical testing. Allele origin: germline. Affected: yes. Study: VKGL Data-share Consensus.

Eurofins Ntd Llc (ga)
Classification: Likely benign. Last evaluated: 2016-04-21. Review status: criteria provided, single submitter. Criteria: EGL Classification Definitions 2015. Collection method: clinical testing. Allele origin: germline. Observed: 1 variant allele, 1 heterozygote.

GeneDx
Classification: Benign. Last evaluated: 2013-01-28. Review status: criteria provided, single submitter. Criteria: GeneDx Variant Classification (06012015). Collection method: clinical testing. Allele origin: germline. Affected: yes.
Comment: This variant is considered likely benign or benign based on one or more of the following criteria: it is a conservative change, it occurs at a poorly conserved position in the protein, it is predicted to be benign by multiple in silico algorithms, and/or has population frequency not consistent with disease.

Breakthrough Genomics
Classification: Likely benign. Review status: criteria provided, single submitter. Criteria: ACMG Guidelines, 2015. Collection method: not provided. Allele origin: germline. Inheritance: Autosomal recessive inheritance. Affected: yes.

Diagnostic Laboratory, Department of Genetics, University Medical Center Groningen
Classification: Likely benign for Pyruvate dehydrogenase E2 deficiency. Review status: no assertion criteria provided. Collection method: clinical testing. Allele origin: germline. Affected: yes. Study: VKGL Data-share Consensus. Not counted in ClinVar's aggregate classification.

Dr. Peter K. Rogan Lab, Western University
No classification provided (evidence only). Condition: Malignant tumor of urinary bladder. Review status: no classification provided. Collection method: in vitro. Allele origin: not applicable. Functional consequence: skipped exon. Not counted in ClinVar's aggregate classification.

Dr. Peter K. Rogan Lab, Western University
No classification provided (evidence only). Condition: Lung cancer. Review status: no classification provided. Collection method: in vitro. Allele origin: not applicable. Functional consequence: retained intron. Not counted in ClinVar's aggregate classification.

Dr. Peter K. Rogan Lab, Western University
No classification provided (evidence only). Condition: Thyroid cancer, nonmedullary, 1. Review status: no classification provided. Collection method: in vitro. Allele origin: not applicable. Functional consequence: retained intron. Not counted in ClinVar's aggregate classification.

Dr. Peter K. Rogan Lab, Western University
No classification provided (evidence only). Condition: Thymoma. Review status: no classification provided. Collection method: in vitro. Allele origin: not applicable. Functional consequence: skipped exon. Not counted in ClinVar's aggregate classification.

Dr. Peter K. Rogan Lab, Western University
No classification provided (evidence only). Condition: Cholangiocarcinoma. Review status: no classification provided. Collection method: in vitro. Allele origin: not applicable. Functional consequence: retained intron. Not counted in ClinVar's aggregate classification.

Dr. Peter K. Rogan Lab, Western University
No classification provided (evidence only). Condition: Ovarian serous cystadenocarcinoma. Review status: no classification provided. Collection method: in vitro. Allele origin: not applicable. Functional consequence: retained intron. Not counted in ClinVar's aggregate classification.

Dr. Peter K. Rogan Lab, Western University
No classification provided (evidence only). Condition: Gastric cancer. Review status: no classification provided. Collection method: in vitro. Allele origin: not applicable. Functional consequence: retained intron. Not counted in ClinVar's aggregate classification.